The following is an entry in ClinVar:

NM_000488.4(SERPINC1):c.1165G>A (p.Glu389Lys)

Gene: SERPINC1 (serpin family C member 1; minus strand). Cytogenetic location: 1q25.1.
Variant type: single nucleotide variant.
Coding change: c.1165G>A on transcript NM_000488.4 (MANE Select); coding-DNA position 1165, G replaced by A.
Protein change: p.Glu389Lys; replaces glutamic acid 389 with lysine.
Molecular consequence: missense variant.
Genome position (GRCh38, 1-based): chr1:173,907,503, C>T on the plus strand (G>A on the coding strand, the complement: SERPINC1 is on the minus strand). VCF-style: chr1-173907503-C-T. GRCh37 (hg19) VCF-style: chr1-173876641-C-T.
Other names: c.1021G>A, p.Glu341Lys (NM_001365052.2); c.1288G>A, p.Glu430Lys (NM_001386302.1); c.1246G>A, p.Glu416Lys (NM_001386303.1); c.1144G>A, p.Glu382Lys (NM_001386304.1); c.1108G>A, p.Glu370Lys (NM_001386305.1); c.949G>A, p.Glu317Lys (NM_001386306.1); short protein forms E317K, E341K, E370K, E382K, E389K, E416K, E430K.
Identifiers: ClinVar variation 2572120 (VCV002572120.1), dbSNP rs2526559731, ClinGen allele CA343772838.
Genomic context (GRCh38, chr1:173,907,503, plus strand): 5'-TACTCACCTCAAGAAATGCCTTATGGAATGCATCTGAGACATAGAGGTCATCTCGGCCTT[C>T]TGCAACAATACCTGGAAGGAAGACCGGAGAAGTCTTTGTGAGATGGGAGAAAGTTGGCTT-3'
Protein context (NP_000479.1, residues 379-399): EKSKLPGIVA[Glu389Lys]GRDDLYVSDA

ClinVar aggregate classification (germline): Uncertain significance (1 of 4 stars; one submission).

Conditions:
Hereditary antithrombin deficiency (AT3D). Also called: Antithrombin deficiency; Reduced antithrombin III activity; Antithrombin III deficiency; Thrombophilia due to antithrombin III deficiency. Identifiers: Orphanet 82, MedGen C0272375, MONDO:0013144, OMIM 613118, HP:0001976.

Submission:

ISTH-SSC Genomics in Thrombosis and Hemostasis, KU Leuven, Center for Molecular and Vascular Biology
Classification: Uncertain significance for Hereditary antithrombin deficiency. Review status: criteria provided, single submitter. Criteria: ACMG Guidelines, 2015. Collection method: clinical testing. Allele origin: germline. Affected: yes. Observed: 1 heterozygote.
Comment: Submitted to the GoldVariant database by Kathleen Freson, Center for Molecular and Vascular Biology